The following is an entry in ClinVar:

ClinVar aggregate classification (germline): Pathogenic/Likely pathogenic. Review status: criteria provided, multiple submitters, no conflicts (2 of 4 stars). 5 submissions from 5 submitters: Pathogenic (4); Likely pathogenic (1). Last evaluated 2026-04-16.

Conditions:
SETBP1-related disorder. Also called: SETBP1-related condition; SETBP1-related disorders.
Intellectual developmental disorder, autosomal dominant 29. Also called: SETBP1 Haploinsufficiency Disorder; Intellectual disability, autosomal dominant 29. Identifiers: Orphanet 436151, MedGen C4015141, MONDO:0014482, OMIM 616078.
Inborn genetic diseases. Identifiers: MedGen C0950123, MeSH D030342.

Submissions (5):

Ambry Genetics
Classification: Pathogenic for Inborn genetic diseases. Last evaluated: 2026-04-16. Review status: criteria provided, single submitter. Criteria: Ambry Variant Classification Scheme 2023. Collection method: clinical testing. Allele origin: germline.
Comment: The c.1630C>T (p.R544*) alteration, located in exon 4 (coding exon 3) of the SETBP1 gene, consists of a C to T substitution at nucleotide position 1630. This changes the amino acid from an arginine (R) to a stop codon at amino acid position 544. This variant is expected to result in loss of function by premature protein truncation or nonsense-mediated mRNA decay. for SETBP1-related neurodevelopmental disorder; however, it is unlikely to be causative of Schinzel-Giedion syndrome. This variant was not reported in population-based cohorts in the Genome Aggregation Database (gnomAD). This variant was determined to be de novo in at least one individual with features consistent with SETBP1-related neurodevelopmental disorder (Jansen, 2021; Morgan, 2021; Brea-Fern&aacute;ndez, 2022; Hu, 2025; Pan, 2025). Based on the available evidence, this alteration is classified as pathogenic.

Department of Neurology, Zibo Changguo Hospital
Classification: Pathogenic for Intellectual developmental disorder, autosomal dominant 29. Last evaluated: 2025-01-10. Review status: criteria provided, single submitter. Criteria: ACMG Guidelines, 2015. Collection method: clinical testing. Allele origin: de novo. Inheritance: Autosomal dominant inheritance. Affected: yes.
Comment: PVS1, PS2_Moderate, PM2_Supporting

GeneDx
Classification: Pathogenic. Last evaluated: 2023-05-16. Review status: criteria provided, single submitter. Criteria: GeneDx Variant Classification Process June 2021. Collection method: clinical testing. Allele origin: germline. Affected: yes.
Comment: Nonsense variant predicted to result in protein truncation or nonsense mediated decay in a gene for which loss of function is a known mechanism of disease; Not observed at significant frequency in large population cohorts (gnomAD); This variant is associated with the following publications: (PMID: 33867525, 33907317)

Service de Biochimie Médicale et Biologie Moléculaire, CHU Clermont-Ferrand
Classification: Pathogenic for Intellectual developmental disorder, autosomal dominant 29. Last evaluated: 2020-05-12. Review status: criteria provided, single submitter. Criteria: ACMG Guidelines, 2015. Collection method: clinical testing. Allele origin: de novo. Inheritance: Autosomal dominant inheritance. Affected: yes. Observed: 1 heterozygote.
Comment: It is absent in control study and already reported in ClinVar as pathogenic. The R544X nonsense variant is predicted to cause loss of normal protein function either through protein truncation or nonsense-mediated mRNA decay. R544X is considered to be a pathogenic variant.

Blueprint Genetics
Classification: Likely pathogenic for SETBP1-related disorders. Last evaluated: 2019-02-20. Review status: criteria provided, single submitter. Criteria: ACMG Guidelines, 2015. Collection method: clinical testing. Allele origin: germline. Affected: yes. Observed: 1 variant allele.

Literature cited by the submitters: PubMed 33867525 (cited by Ambry Genetics); PubMed 33907317 (cited by Ambry Genetics); PubMed 35322241 (cited by Ambry Genetics); PubMed 40665309 (cited by Ambry Genetics); PubMed 41282480 (cited by Ambry Genetics).

NM_015559.3(SETBP1):c.1630C>T (p.Arg544Ter)

Gene: SETBP1 (SET binding protein 1; plus strand). Cytogenetic location: 18q12.3.
Variant type: single nucleotide variant.
Coding change: c.1630C>T on transcript NM_015559.3 (MANE Select); coding-DNA position 1630, C replaced by T.
Protein change: p.Arg544Ter; replaces arginine 544 with a stop codon.
Molecular consequence: nonsense.
Genome position (GRCh38, 1-based): chr18:44,950,970, C>T. VCF-style: chr18-44950970-C-T. GRCh37 (hg19) VCF-style: chr18-42530935-C-T.
Other names: c.1630C>T, p.Arg544Ter (LRG_1150t1); short protein forms R544*.
Identifiers: ClinVar variation 620563 (VCV000620563.8), dbSNP rs1568234874, ClinGen allele CA402318939.